The following is an entry in ClinVar:

ClinVar aggregate classification (germline): Uncertain significance (1 of 4 stars; one submission).

gnomAD v4.1: 12 of 1,613,824 alleles (0.00074%); highest among the groups gnomAD compares: Non-Finnish European, 0.001%; no homozygotes.

Submission:

Labcorp Genetics (formerly Invitae), Labcorp
Classification: Uncertain significance. Last evaluated: 2024-03-07. Review status: criteria provided, single submitter. Criteria: Invitae Variant Classification Sherloc (09022015). Collection method: clinical testing. Allele origin: germline.
Comment: This sequence change replaces leucine, which is neutral and non-polar, with phenylalanine, which is neutral and non-polar, at codon 1273 of the NUP160 protein (p.Leu1273Phe). This variant is not present in population databases (gnomAD no frequency). This variant has not been reported in the literature in individuals affected with NUP160-related conditions. An algorithm developed to predict the effect of missense changes on protein structure and function (PolyPhen-2) suggests that this variant is likely to be tolerated. In summary, the available evidence is currently insufficient to determine the role of this variant in disease. Therefore, it has been classified as a Variant of Uncertain Significance.

NM_015231.3(NUP160):c.3715C>T (p.Leu1239Phe)

Gene: NUP160 (nucleoporin 160; minus strand). Cytogenetic location: 11p11.2.
Variant type: single nucleotide variant.
Coding change: c.3715C>T on transcript NM_015231.3 (MANE Select); coding-DNA position 3715, C replaced by T.
Protein change: p.Leu1239Phe; replaces leucine 1239 with phenylalanine.
Molecular consequence: missense variant. On other transcripts: non-coding transcript variant (1).
Genome position (GRCh38, 1-based): chr11:47,786,484, G>A on the plus strand (C>T on the coding strand, the complement: NUP160 is on the minus strand). VCF-style: chr11-47786484-G-A. GRCh37 (hg19) VCF-style: chr11-47808036-G-A.
Other names: short protein forms L1239F.
Identifiers: ClinVar variation 3618299 (VCV003618299.2).
Genomic context (GRCh38, chr11:47,786,484, plus strand): 5'-CTACCCAGGGTTGAACACCAGGGTTGTACCTAGACTCCTTAGTAGTGATGACAGATGAGA[G>A]CTGATTGGCTGCTAGCCAGGCCCAGGCTTCTGCTTGTGCTGCCTCTCCTCCAAATTGCAA-3'
Protein context (NP_056046.2, residues 1229-1249): EAWAWLAANQ[Leu1239Phe]SSVITTKESS